The following is an entry in ClinVar:

ClinVar aggregate classification (germline): Uncertain significance (1 of 4 stars; one submission).

Conditions:
Cardiovascular phenotype. Identifiers: MedGen CN230736.

Allele frequency attached by ClinVar (database versions not stated): gnomAD exomes 0.00001; TOPMed 0.00001.
gnomAD v4.1: 4 of 1,614,198 alleles (0.00025%); highest among the groups gnomAD compares: Admixed American, 0.0067%; no homozygotes.

Submission:

Ambry Genetics
Classification: Uncertain significance for Cardiovascular phenotype. Last evaluated: 2023-08-13. Review status: criteria provided, single submitter. Criteria: Ambry Variant Classification Scheme 2023. Collection method: clinical testing. Allele origin: germline.
Comment: The p.K925E variant (also known as c.2773A>G), located in coding exon 16 of the SCN10A gene, results from an A to G substitution at nucleotide position 2773. The lysine at codon 925 is replaced by glutamic acid, an amino acid with similar properties. This amino acid position is conserved. In addition, this alteration is predicted to be tolerated by in silico analysis. Since supporting evidence is limited at this time, the clinical significance of this alteration remains unclear.

NM_006514.4(SCN10A):c.2773A>G (p.Lys925Glu)

Gene: SCN10A (sodium voltage-gated channel alpha subunit 10; minus strand). Cytogenetic location: 3p22.2.
Variant type: single nucleotide variant.
Coding change: c.2773A>G on transcript NM_006514.4 (MANE Select); coding-DNA position 2773, A replaced by G.
Protein change: p.Lys925Glu; replaces lysine 925 with glutamic acid.
Molecular consequence: missense variant.
Genome position (GRCh38, 1-based): chr3:38,726,920, T>C on the plus strand (A>G on the coding strand, the complement: SCN10A is on the minus strand). VCF-style: chr3-38726920-T-C. GRCh37 (hg19) VCF-style: chr3-38768411-T-C.
Other names: c.2773A>G, p.Lys925Glu (NM_001293306.2); c.2479A>G, p.Lys827Glu (NM_001293307.2); short protein forms K827E, K925E.
Identifiers: ClinVar variation 2625773 (VCV002625773.2), dbSNP rs1342190715, ClinGen allele CA352158577.